The following is an entry in ClinVar:

ClinVar aggregate classification (germline): Pathogenic (1 of 4 stars; one submission).

Conditions:
Citrullinemia. Identifiers: Orphanet 187, MedGen C0175683, MONDO:0015991.

Allele frequency attached by ClinVar (database versions not stated): gnomAD exomes below 0.00001.

Submission:

Labcorp Genetics (formerly Invitae), Labcorp
Classification: Pathogenic for Citrullinemia. Last evaluated: 2019-12-11. Review status: criteria provided, single submitter. Criteria: Invitae Variant Classification Sherloc (09022015). Collection method: clinical testing. Allele origin: germline.
Comment: For these reasons, this variant has been classified as Pathogenic. Loss-of-function variants in ASS1 are known to be pathogenic (PMID: 18473344, 19006241). This variant has not been reported in the literature in individuals with ASS1-related conditions. This variant is not present in population databases (ExAC no frequency). This sequence change creates a premature translational stop signal (p.Ser278Profs*18) in the ASS1 gene. It is expected to result in an absent or disrupted protein product.

Literature cited by the submitters: PubMed 18473344; PubMed 19006241.

NM_054012.4(ASS1):c.832del (p.Ser278fs)

Gene: ASS1 (argininosuccinate synthase 1; plus strand). Cytogenetic location: 9q34.11.
Variant type: Deletion.
Coding change: c.832del on transcript NM_054012.4 (MANE Select); coding-DNA position 832, one base deleted (T; older notation c.832delT).
Protein change: p.Ser278fs; shifts the reading frame from serine 278.
Molecular consequence: frameshift variant.
Genome position (GRCh38, 1-based): chr9:130,480,443, T deleted. VCF-style (leftmost placement, unchanged base first): chr9-130480442-GT-G. GRCh37 (hg19) VCF-style: chr9-133355829-GT-G.
Other names: c.832del, p.Ser278fs (NM_000050.4); short protein forms S278fs.
Identifiers: ClinVar variation 845376 (VCV000845376.8), dbSNP rs1846142146, ClinGen allele CA916083074.